The following is an entry in ClinVar:

ClinVar aggregate classification (germline): Uncertain significance (1 of 4 stars; one submission).

Conditions:
PIEZO1-related disorder. Also called: PIEZO1-related condition; PIEZO1-Related Disorders.

Submission:

PreventionGenetics, part of Exact Sciences
Classification: Uncertain significance for PIEZO1-related condition. Last evaluated: 2023-01-17. Review status: criteria provided, single submitter. Criteria: ACMG Guidelines, 2015. Collection method: clinical testing. Allele origin: germline.
Comment: The PIEZO1 c.1792G>C variant is predicted to result in the amino acid substitution p.Val598Leu. This variant was reported in the heterozygous state in two individuals with hereditary xerocytosis (Picard et al. 2019. PubMed ID: 30655378). This variant was also reported in a patient with adult onset lower limb lymphedema that had two additional PIEZO1 variants on the same allele (in cis) (Vignes et al. 2021. PubMed ID: 34477311). This variant has not been reported in a large population database, indicating this variant is rare. Of note, another variant at the same amino acid (p.Val598Met) has also been reported in patients with hereditary xerocytosis (Patient 4 and 7 in Moura et al. 2020. PubMed ID: 31624108) and as de novo in a case of nonimmune hydrops fetalis (Sparks et al. 2020. PubMed ID: 33027564). Although we suspect that the c.1792G>C (p.Val598Leu) variant may be pathogenic, at this time, the clinical significance of this variant is uncertain due to the absence of conclusive functional and genetic evidence.

NM_001142864.4(PIEZO1):c.1792G>C (p.Val598Leu)

Genes: HSALR1 (HSP90AB1 associated lncRNA 1; plus strand), PIEZO1 (piezo type mechanosensitive ion channel component 1 (Er blood group); minus strand). Cytogenetic location: 16q24.3.
Variant type: single nucleotide variant.
Coding change: c.1792G>C on transcript NM_001142864.4 (MANE Select); coding-DNA position 1792, G replaced by C.
Protein change: p.Val598Leu; replaces valine 598 with leucine.
Molecular consequence: missense variant.
Genome position (GRCh38, 1-based): chr16:88,734,931, C>G on the plus strand (G>C on the coding strand, the complement: PIEZO1 is on the minus strand). VCF-style: chr16-88734931-C-G. GRCh37 (hg19) VCF-style: chr16-88801339-C-G.
Other names: c.337G>C, p.Val113Leu (NM_014745.1); short protein forms V113L, V598L.
Identifiers: ClinVar variation 2629814 (VCV002629814.1), dbSNP rs2142820621, ClinGen allele CA397115294.